The following is an entry in ClinVar:

NM_001851.6(COL9A1):c.348G>A (p.Thr116=)

Gene: COL9A1 (collagen type IX alpha 1 chain; minus strand). Cytogenetic location: 6q13.
Variant type: single nucleotide variant.
Coding change: c.348G>A on transcript NM_001851.6 (MANE Select); coding-DNA position 348, G replaced by A.
Protein change: p.Thr116=; no amino-acid change (threonine 116 retained).
Molecular consequence: synonymous variant.
Genome position (GRCh38, 1-based): chr6:70,294,515, C>T on the plus strand (G>A on the coding strand, the complement: COL9A1 is on the minus strand). VCF-style: chr6-70294515-C-T. GRCh37 (hg19) VCF-style: chr6-71004218-C-T.
Other names: c.348G>A, p.Thr116= (NM_001377291.1).
Identifiers: ClinVar variation 1343549 (VCV001343549.10), dbSNP rs779960146, ClinGen allele CA3882835.

ClinVar aggregate classification (germline): Likely benign. Review status: criteria provided, multiple submitters, no conflicts (2 of 4 stars). 3 submissions from 3 submitters: Likely benign (3). Last evaluated 2025-07-02.

gnomAD v4.1: 27 of 1,613,930 alleles (0.0017%); highest among the groups gnomAD compares: Admixed American, 0.023%; no homozygotes.

Submissions (3):

Labcorp Genetics (formerly Invitae), Labcorp
Classification: Likely benign. Last evaluated: 2025-07-02. Review status: criteria provided, single submitter. Criteria: Invitae Variant Classification Sherloc (09022015). Collection method: clinical testing. Allele origin: germline.

Blueprint Genetics
Classification: Likely benign. Last evaluated: 2024-08-27. Review status: criteria provided, single submitter. Criteria: ACMG Guidelines, 2015. Collection method: clinical testing. Allele origin: germline.

Women's Health and Genetics/Laboratory Corporation of America, LabCorp
Classification: Likely benign. Last evaluated: 2022-02-28. Review status: criteria provided, single submitter. Criteria: LabCorp Variant Classification Summary - May 2015. Collection method: clinical testing. Allele origin: germline.
Comment: Variant summary: COL9A1 c.348G>A alters a non-conserved nucleotide resulting in a synonymous change. 4/4 computational tools predict no significant impact on normal splicing. However, these predictions have yet to be confirmed by functional studies. The variant allele was found at a frequency of 6.4e-05 in 250664 control chromosomes. This frequency does not allow conclusions about variant significance. To our knowledge, no occurrence of c.348G>A in individuals affected with COL9A1-Related Disorders and no experimental evidence demonstrating its impact on protein function have been reported. No clinical diagnostic laboratories have submitted clinical-significance assessments for this variant to ClinVar after 2014. Based on the evidence outlined above, the variant was classified as likely benign.